The following is an entry in ClinVar:

ClinVar aggregate classification (germline): Uncertain significance. Review status: criteria provided, multiple submitters, no conflicts (2 of 4 stars). 2 submissions from 2 submitters: Uncertain significance (2). Last evaluated 2025-06-15.

Conditions:
Familial thoracic aortic aneurysm and aortic dissection (TAAD). Also called: Thoracic aortic aneurysms and dissections. Identifiers: Orphanet 91387, MedGen C4707243, MONDO:0019625.
Aortic aneurysm, familial thoracic 7 (AAT7). Also called: AORTIC DISSECTION, FAMILIAL, WITH OR WITHOUT AORTIC ANEURYSM. Identifiers: MedGen C3151077, MONDO:0013418, OMIM 613780.

gnomAD v4.1: 4 of 1,614,146 alleles (0.00025%); highest among the groups gnomAD compares: Non-Finnish European, 0.00017%; no homozygotes.

Submissions (2):

Ambry Genetics
Classification: Uncertain significance for Familial thoracic aortic aneurysm and aortic dissection. Last evaluated: 2025-06-15. Review status: criteria provided, single submitter. Criteria: Ambry Variant Classification Scheme 2023. Collection method: clinical testing. Allele origin: germline.
Comment: The p.S1824R variant (also known as c.5470A>C), located in coding exon 30 of the MYLK gene, results from an A to C substitution at nucleotide position 5470. The serine at codon 1824 is replaced by arginine, an amino acid with dissimilar properties. This amino acid position is conserved. In addition, the in silico prediction for this alteration is inconclusive. Based on the available evidence, the clinical significance of this variant remains unclear.

Labcorp Genetics (formerly Invitae), Labcorp
Classification: Uncertain significance for Aortic aneurysm, familial thoracic 7. Last evaluated: 2025-03-31. Review status: criteria provided, single submitter. Criteria: Invitae Variant Classification Sherloc (09022015). Collection method: clinical testing. Allele origin: germline.
Comment: This sequence change replaces serine, which is neutral and polar, with arginine, which is basic and polar, at codon 1824 of the MYLK protein (p.Ser1824Arg). This variant is present in population databases (no rsID available, gnomAD 0.0009%). This variant has not been reported in the literature in individuals affected with MYLK-related conditions. Invitae Evidence Modeling of protein sequence and biophysical properties (such as structural, functional, and spatial information, amino acid conservation, physicochemical variation, residue mobility, and thermodynamic stability) indicates that this missense variant is not expected to disrupt MYLK protein function with a negative predictive value of 80%. In summary, the available evidence is currently insufficient to determine the role of this variant in disease. Therefore, it has been classified as a Variant of Uncertain Significance.

NM_053025.4(MYLK):c.5470A>C (p.Ser1824Arg)

Genes: MYLK (myosin light chain kinase; minus strand), MYLK-AS1 (MYLK antisense RNA 1; plus strand). Cytogenetic location: 3q21.1.
Variant type: single nucleotide variant.
Coding change: c.5470A>C on transcript NM_053025.4 (MANE Select); coding-DNA position 5470, A replaced by C.
Protein change: p.Ser1824Arg; replaces serine 1824 with arginine.
Molecular consequence: missense variant.
Genome position (GRCh38, 1-based): chr3:123,618,669, T>G on the plus strand (A>C on the coding strand, the complement: MYLK is on the minus strand). VCF-style: chr3-123618669-T-G. GRCh37 (hg19) VCF-style: chr3-123337516-T-G.
Other names: c.4942A>C, p.Ser1648Arg (NM_001321309.2); c.187A>C, p.Ser63Arg (NM_001438035.1, NM_053031.4); c.5263A>C, p.Ser1755Arg (NM_053026.4); c.5317A>C, p.Ser1773Arg (NM_053027.4); c.5110A>C, p.Ser1704Arg (NM_053028.4); c.190A>C, p.Ser64Arg (NM_053032.4); short protein forms S1704R, S64R, S1648R, S1755R, S1824R, S63R, S1773R.
Identifiers: ClinVar variation 4115045 (VCV004115045.2).